The following is an entry in ClinVar:

NM_001370259.2(MEN1):c.940_1050-227del

Gene: MEN1 (menin 1; minus strand). Cytogenetic location: 11q13.1.
Variant type: Deletion.
Coding change: c.940_1050-227del on transcript NM_001370259.2 (MANE Select); coding-DNA position 940 through 227 bases into the intron before coding-DNA position 1050, 345 bases deleted.
Molecular consequence: splice donor variant. On other transcripts: frameshift variant (1), splice acceptor variant (1).
Genome position (GRCh38, 1-based): chr11:64,805,997-64,806,341, 345 bases deleted. GRCh37 (hg19): chr11:64,573,469-64,573,813.
Other names: c.940_1050-227del (NM_001370260.2, NM_001370261.2, NM_130799.3); c.955_1065-227del (NM_130801.3, NM_130800.3, NM_130802.3 and 3 more transcripts); c.835_945-227del (NM_001370263.2, NM_001370262.2); c.940_1066del127, p.Arg314fs (NM_001370251.2); short protein forms R314fs.
Identifiers: ClinVar variation 457345 (VCV000457345.8), ClinGen allele CA658656152.

ClinVar aggregate classification (germline): Pathogenic (1 of 4 stars; one submission).

Conditions:
Multiple endocrine neoplasia, type 1 (MEN1). Also called: MEN I; WERMER SYNDROME; Endocrine adenomatosis multiple; MEN 1; MEA I. Identifiers: Orphanet 652, MedGen C0025267, MeSH D018761, MONDO:0007540, OMIM 131100.

Submission:

Labcorp Genetics (formerly Invitae), Labcorp
Classification: Pathogenic for Multiple endocrine neoplasia, type 1. Last evaluated: 2017-07-12. Review status: criteria provided, single submitter. Criteria: Invitae Variant Classification Sherloc (09022015). Collection method: clinical testing. Allele origin: germline.
Comment: This variant has not been reported in the literature in individuals with MEN1-related disease. For these reasons, this variant has been classified as Pathogenic. Loss-of-function variants in MEN1 are known to be pathogenic (PMID: 17853334, 12112656). This variant is a deletion of the genomic region encompassing most of exon 7 of the MEN1 gene, including the exon 7-intron 7 boundary (c.940_1050-227del). This is expected to create a premature translational stop signal and result in an absent or disrupted protein product.

Literature cited by the submitters: PubMed 17853334; PubMed 12112656.